The following is an entry in ClinVar:

ClinVar aggregate classification (germline): Uncertain significance. Review status: criteria provided, multiple submitters, no conflicts (2 of 4 stars). 2 submissions from 2 submitters: Uncertain significance (2). Last evaluated 2022-11-22.

Conditions:
Arrhythmogenic right ventricular dysplasia 13. Also called: Arrhythmogenic right ventricular dysplasia, familial, 13; ARRHYTHMOGENIC RIGHT VENTRICULAR CARDIOMYOPATHY 13. Identifiers: MedGen C3810138, MONDO:0000908, OMIM 615616.

Allele frequency attached by ClinVar (database versions not stated): gnomAD 0.00001; TOPMed below 0.00001.
gnomAD v4.1: 3 of 1,613,656 alleles (0.00019%); highest among the groups gnomAD compares: African/African-American, 0.004%; no homozygotes.

Submissions (2):

Labcorp Genetics (formerly Invitae), Labcorp
Classification: Uncertain significance for Arrhythmogenic right ventricular dysplasia 13. Last evaluated: 2022-11-22. Review status: criteria provided, single submitter. Criteria: Invitae Variant Classification Sherloc (09022015). Collection method: clinical testing. Allele origin: germline.
Comment: This variant is present in population databases (no rsID available, gnomAD 0.01%). In summary, the available evidence is currently insufficient to determine the role of this variant in disease. Therefore, it has been classified as a Variant of Uncertain Significance. Advanced modeling of protein sequence and biophysical properties (such as structural, functional, and spatial information, amino acid conservation, physicochemical variation, residue mobility, and thermodynamic stability) performed at Invitae indicates that this missense variant is not expected to disrupt CTNNA3 protein function. This variant has not been reported in the literature in individuals affected with CTNNA3-related conditions. This sequence change replaces alanine, which is neutral and non-polar, with valine, which is neutral and non-polar, at codon 330 of the CTNNA3 protein (p.Ala330Val).

Ambry Genetics
Classification: Uncertain significance. Last evaluated: 2022-05-02. Review status: criteria provided, single submitter. Criteria: Ambry Variant Classification Scheme 2023. Collection method: clinical testing. Allele origin: germline.
Comment: The p.A330V variant (also known as c.989C>T), located in coding exon 6 of the CTNNA3 gene, results from a C to T substitution at nucleotide position 989. The alanine at codon 330 is replaced by valine, an amino acid with similar properties. This amino acid position is conserved. In addition, this alteration is predicted to be tolerated by in silico analysis. Since supporting evidence is limited at this time, the clinical significance of this alteration remains unclear.

NM_013266.4(CTNNA3):c.989C>T (p.Ala330Val)

Gene: CTNNA3 (catenin alpha 3; minus strand). Cytogenetic location: 10q21.3.
Variant type: single nucleotide variant.
Coding change: c.989C>T on transcript NM_013266.4 (MANE Select); coding-DNA position 989, C replaced by T.
Protein change: p.Ala330Val; replaces alanine 330 with valine.
Molecular consequence: missense variant.
Genome position (GRCh38, 1-based): chr10:67,180,375, G>A on the plus strand (C>T on the coding strand, the complement: CTNNA3 is on the minus strand). VCF-style: chr10-67180375-G-A. GRCh37 (hg19) VCF-style: chr10-68940133-G-A.
Other names: c.989C>T, p.Ala330Val (NM_001127384.3); c.1025C>T, p.Ala342Val (NM_001291133.2); short protein forms A330V, A342V.
Identifiers: ClinVar variation 1768518 (VCV001768518.7), dbSNP rs1359321241, ClinGen allele CA377096833.
Genomic context (GRCh38, chr10:67,180,375, plus strand): 5'-ACGTTGTTCATGTACTCTGAAAGCAGATCCTGAAGAGCCTGGCGAATGGCGTTGCATTCT[G>A]CGATAATCCGCTCTCGGTGTAAGTCCCTCGTACATGAAGAATCCGCCAGCAGAGCAGCCC-3'
Protein context (NP_037398.2, residues 320-340): TRDLHRERII[Ala330Val]ECNAIRQALQ